The following is an entry in ClinVar:

NM_014991.6(WDFY3):c.9619A>T (p.Thr3207Ser)

Gene: WDFY3 (WD repeat and FYVE domain containing 3; minus strand). Cytogenetic location: 4q21.23.
Variant type: single nucleotide variant.
Coding change: c.9619A>T on transcript NM_014991.6 (MANE Select); coding-DNA position 9619, A replaced by T.
Protein change: p.Thr3207Ser; replaces threonine 3207 with serine.
Molecular consequence: missense variant.
Genome position (GRCh38, 1-based): chr4:84,684,050, T>A on the plus strand (A>T on the coding strand, the complement: WDFY3 is on the minus strand). VCF-style: chr4-84684050-T-A. GRCh37 (hg19) VCF-style: chr4-85605203-T-A.
Other names: short protein forms T3207S.
Identifiers: ClinVar variation 1712149 (VCV001712149.2), dbSNP rs751432745, ClinGen allele CA357267963.

ClinVar aggregate classification (germline): Uncertain significance (1 of 4 stars; one submission).

Submission:

GeneDx
Classification: Uncertain significance. Last evaluated: 2022-04-19. Review status: criteria provided, single submitter. Criteria: GeneDx Variant Classification Process June 2021. Collection method: clinical testing. Allele origin: germline. Affected: yes.
Comment: Not observed at significant frequency in large population cohorts (gnomAD); In silico analysis supports that this missense variant has a deleterious effect on protein structure/function; In silico analysis, which includes splice predictors and evolutionary conservation, suggests this variant may impact gene splicing. In the absence of RNA/functional studies, the actual effect of this sequence change is unknown.; Has not been previously published as pathogenic or benign to our knowledge